The following is an entry in ClinVar:

NM_002335.4(LRP5):c.2373G>T (p.Met791Ile)

Gene: LRP5 (LDL receptor related protein 5; plus strand). Cytogenetic location: 11q13.2.
Variant type: single nucleotide variant.
Coding change: c.2373G>T on transcript NM_002335.4 (MANE Select); coding-DNA position 2373, G replaced by T.
Protein change: p.Met791Ile; replaces methionine 791 with isoleucine.
Molecular consequence: missense variant.
Genome position (GRCh38, 1-based): chr11:68,411,490, G>T. VCF-style: chr11-68411490-G-T. GRCh37 (hg19) VCF-style: chr11-68178958-G-T.
Other names: c.630G>T, p.Met210Ile (NM_001291902.2); short protein forms M210I, M791I.
Identifiers: ClinVar variation 1716623 (VCV001716623.5), dbSNP rs2496747945, ClinGen allele CA381616992.

ClinVar aggregate classification (germline): Uncertain significance (1 of 4 stars; one submission).

Submission:

Labcorp Genetics (formerly Invitae), Labcorp
Classification: Uncertain significance. Last evaluated: 2022-08-17. Review status: criteria provided, single submitter. Criteria: Invitae Variant Classification Sherloc (09022015). Collection method: clinical testing. Allele origin: germline.
Comment: This variant has not been reported in the literature in individuals affected with LRP5-related conditions. Advanced modeling of protein sequence and biophysical properties (such as structural, functional, and spatial information, amino acid conservation, physicochemical variation, residue mobility, and thermodynamic stability) performed at Invitae indicates that this missense variant is expected to disrupt LRP5 protein function. In summary, the available evidence is currently insufficient to determine the role of this variant in disease. Therefore, it has been classified as a Variant of Uncertain Significance. This variant is not present in population databases (gnomAD no frequency). This sequence change replaces methionine, which is neutral and non-polar, with isoleucine, which is neutral and non-polar, at codon 791 of the LRP5 protein (p.Met791Ile).